The following is an entry in ClinVar:

NM_004006.3(DMD):c.1125del (p.Asp377fs)

Gene: DMD (dystrophin; minus strand). Cytogenetic location: Xp21.1.
Variant type: Deletion.
Coding change: c.1125del on transcript NM_004006.3 (MANE Select); coding-DNA position 1125, one base deleted (G; older notation c.1125delG).
Protein change: p.Asp377fs; shifts the reading frame from aspartic acid 377.
Molecular consequence: frameshift variant.
Genome position (GRCh38, 1-based): chrX:32,644,988, C deleted on the plus strand (G on the coding strand, the reverse complement: DMD is on the minus strand). VCF-style (leftmost placement, unchanged base first): chrX-32644987-TC-T. GRCh37 (hg19) VCF-style: chrX-32663104-TC-T.
Other names: c.1101del, p.Asp369fs (NM_000109.4); c.1113del, p.Asp373fs (NM_004009.3); c.756del, p.Asp254fs (NM_004010.3); short protein forms D254fs, D369fs, D377fs, D373fs.
Identifiers: ClinVar variation 3659496 (VCV003659496.2).
Genomic context (GRCh38, chrX:32,644,987, plus strand): 5'-CATATGTTTTGTTTTGTAAATTAACGTTTTAGTTTACCTCATGAGTATGAAACTGGTCTT[TC>T]ACCACTTCCACATCATTAGAAATCTCTCCTTGTGCTTGCAATGTGTCCTCAGCAGAAAGA-3'

ClinVar aggregate classification (germline): Pathogenic (1 of 4 stars; one submission).

Conditions:
Duchenne muscular dystrophy (DMD). Also called: MUSCULAR DYSTROPHY, PSEUDOHYPERTROPHIC PROGRESSIVE, DUCHENNE TYPE; Duchenne Muscular Dystrophy (DMD). Identifiers: Orphanet 98896, MedGen C0013264, MONDO:0010679, OMIM 310200.

Submission:

Labcorp Genetics (formerly Invitae), Labcorp
Classification: Pathogenic for Duchenne muscular dystrophy. Last evaluated: 2024-12-05. Review status: criteria provided, single submitter. Criteria: Invitae Variant Classification Sherloc (09022015). Collection method: clinical testing. Allele origin: germline.
Comment: This sequence change creates a premature translational stop signal (p.Asp377Thrfs*10) in the DMD gene. It is expected to result in an absent or disrupted protein product. Loss-of-function variants in DMD are known to be pathogenic (PMID: 16770791, 25007885). This variant is not present in population databases (gnomAD no frequency). This variant has not been reported in the literature in individuals affected with DMD-related conditions. For these reasons, this variant has been classified as Pathogenic.

Literature cited by the submitters: PubMed 16770791; PubMed 25007885.